The following is an entry in ClinVar:

ClinVar aggregate classification (germline): Pathogenic/Likely pathogenic. Review status: criteria provided, multiple submitters, no conflicts (2 of 4 stars). 4 submissions from 4 submitters: Pathogenic (2); Likely pathogenic (1). 1 of the submissions does not count toward it. Last evaluated 2022-07-12.

Conditions:
Muscular dystrophy-dystroglycanopathy type B5 (MDDGB5). Also called: MUSCULAR DYSTROPHY-DYSTROGLYCANOPATHY (CONGENITAL WITH OR WITHOUT IMPAIRED INTELLECTUAL DEVELOPMENT), TYPE B, 5; MUSCULAR DYSTROPHY, CONGENITAL, 1C; MUSCULAR DYSTROPHY, CONGENITAL, FKRP-RELATED. Identifiers: MedGen C1847759, MONDO:0011688, OMIM 606612.
Autosomal recessive limb-girdle muscular dystrophy type 2I. Also called: MUSCULAR DYSTROPHY-DYSTROGLYCANOPATHY (LIMB-GIRDLE), TYPE C, 5; MUSCULAR DYSTROPHY, LIMB-GIRDLE, TYPE 2I; MUSCULAR DYSTROPHY-DYSTROGLYCANOPATHY, LIMB-GIRDLE, FRKP-RELATED. Identifiers: Orphanet 34515, MedGen C1846672, MONDO:0011787, OMIM 607155.
Walker-Warburg congenital muscular dystrophy. Also called: Muscular dystrophy-dystroglycanopathy, type A; Walker-Warburg syndrome. Identifiers: Orphanet 899, MedGen C0265221, MONDO:0000171.

gnomAD v4.1: 2 of 1,578,100 alleles (0.00013%); highest among the groups gnomAD compares: South Asian, 0.0023%; no homozygotes.

Submissions (4):

Labcorp Genetics (formerly Invitae), Labcorp
Classification: Pathogenic for Walker-Warburg congenital muscular dystrophy. Last evaluated: 2022-07-12. Review status: criteria provided, single submitter. Criteria: Invitae Variant Classification Sherloc (09022015). Collection method: clinical testing. Allele origin: germline.
Comment: ClinVar contains an entry for this variant (Variation ID: 289473). This sequence change creates a premature translational stop signal (p.Glu324*) in the FKRP gene. While this is not anticipated to result in nonsense mediated decay, it is expected to disrupt the last 172 amino acid(s) of the FKRP protein. This variant is not present in population databases (gnomAD no frequency). This variant has not been reported in the literature in individuals affected with FKRP-related conditions. This variant disrupts a region of the FKRP protein in which other variant(s) (p.Ala455Asp) have been determined to be pathogenic (PMID: 14652796, 16368217, 18671187, 23420653, 23894383). This suggests that this is a clinically significant region of the protein, and that variants that disrupt it are likely to be disease-causing. For these reasons, this variant has been classified as Pathogenic.

Genetics and Genomic Medicine Centre, NeuroGen Healthcare, NeuroGen Healthcare
Classification: Likely pathogenic for Muscular dystrophy-dystroglycanopathy type B5. Last evaluated: 2019-11-07. Review status: criteria provided, single submitter. Criteria: Submitter's publication. Collection method: clinical testing. Allele origin: unknown. Affected: no.

Eurofins Ntd Llc (ga)
Classification: Pathogenic. Last evaluated: 2016-07-15. Review status: criteria provided, single submitter. Criteria: EGL Classification Definitions 2015. Collection method: clinical testing. Allele origin: germline. Observed: 1 variant allele, 1 heterozygote.

Counsyl
Classification: Likely pathogenic for Autosomal recessive limb-girdle muscular dystrophy type 2I. Last evaluated: 2018-05-22. Review status: no assertion criteria provided. Collection method: clinical testing. Allele origin: unknown. Not counted in ClinVar's aggregate classification.

Literature cited by the submitters: PubMed 14652796 (cited by Labcorp Genetics (formerly Invitae), Labcorp); PubMed 16368217 (cited by Labcorp Genetics (formerly Invitae), Labcorp); PubMed 18671187 (cited by Labcorp Genetics (formerly Invitae), Labcorp); PubMed 23420653 (cited by Labcorp Genetics (formerly Invitae), Labcorp); PubMed 23894383 (cited by Labcorp Genetics (formerly Invitae), Labcorp).

NM_024301.5(FKRP):c.970G>T (p.Glu324Ter)

Gene: FKRP (fukutin related protein; plus strand). Cytogenetic location: 19q13.32.
Variant type: single nucleotide variant.
Coding change: c.970G>T on transcript NM_024301.5 (MANE Select); coding-DNA position 970, G replaced by T.
Protein change: p.Glu324Ter; replaces glutamic acid 324 with a stop codon.
Molecular consequence: nonsense.
Genome position (GRCh38, 1-based): chr19:46,756,420, G>T. VCF-style: chr19-46756420-G-T. GRCh37 (hg19) VCF-style: chr19-47259677-G-T.
Other names: c.970G>T, p.Glu324Ter (NM_001039885.3); short protein forms E324*.
Identifiers: ClinVar variation 289473 (VCV000289473.16), dbSNP rs886044183, ClinGen allele CA10606452.
Genomic context (GRCh38, chr19:46,756,420, plus strand): 5'-ACGCCCGCCTACCTCTACGAGGAGCGCTGGACGCCCCCCTGCTGCCTGCGCGCGCTGCGC[G>T]AGACCGCCCGCTATGTGGTGGGCGTGCTGGAGGCTGCGGGCGTGCGCTACTGGCTCGAGG-3'